The following is an entry in ClinVar:

NM_001365951.3(KIF1B):c.3976G>A (p.Asp1326Asn)

Gene: KIF1B (kinesin family member 1B; plus strand). Cytogenetic location: 1p36.22.
Variant type: single nucleotide variant.
Coding change: c.3976G>A on transcript NM_001365951.3 (MANE Select); coding-DNA position 3976, G replaced by A.
Protein change: p.Asp1326Asn; replaces aspartic acid 1326 with asparagine.
Molecular consequence: missense variant.
Genome position (GRCh38, 1-based): chr1:10,352,657, G>A. VCF-style: chr1-10352657-G-A. GRCh37 (hg19) VCF-style: chr1-10412715-G-A.
Other names: c.3976G>A, p.Asp1326Asn (NM_001365952.1); c.3838G>A, p.Asp1280Asn (NM_015074.3); short protein forms D1326N, D1280N.
Identifiers: ClinVar variation 3534038 (VCV003534038.1).

ClinVar aggregate classification (germline): Uncertain significance (1 of 4 stars; one submission).

Submission:

Ambry Genetics
Classification: Uncertain significance. Last evaluated: 2024-10-06. Review status: criteria provided, single submitter. Criteria: Ambry Variant Classification Scheme 2023. Collection method: clinical testing. Allele origin: germline.
Comment: The p.D1280N variant (also known as c.3838G>A), located in coding exon 35 of the KIF1B gene, results from a G to A substitution at nucleotide position 3838. The aspartic acid at codon 1280 is replaced by asparagine, an amino acid with highly similar properties. This amino acid position is conserved. In addition, this alteration is predicted to be tolerated by in silico analysis. Based on the available evidence, the clinical significance of this variant remains unclear.